The following is an entry in ClinVar:

NM_033118.4(MYLK2):c.1577+1G>A

Gene: MYLK2 (myosin light chain kinase 2; plus strand). Cytogenetic location: 20q11.21.
Variant type: single nucleotide variant.
Coding change: c.1577+1G>A on transcript NM_033118.4 (MANE Select); the canonical splice donor site of the intron after coding-DNA position 1577, G replaced by A.
Molecular consequence: splice donor variant.
Genome position (GRCh38, 1-based): chr20:31,831,856, G>A. VCF-style: chr20-31831856-G-A. GRCh37 (hg19) VCF-style: chr20-30419659-G-A.
Identifiers: ClinVar variation 1321247 (VCV001321247.2), dbSNP rs896469988, ClinGen allele CA313851852.

ClinVar aggregate classification (germline): Uncertain significance. Review status: criteria provided, multiple submitters, no conflicts (2 of 4 stars). 2 submissions from 2 submitters: Uncertain significance (2). Last evaluated 2023-05-08.

Conditions:
Hypertrophic cardiomyopathy 1 (CMH1). Also called: MYH7-Related Familial Hypertrophic Cardiomyopathy; Familial hypertrophic cardiomyopathy 1. Identifiers: MedGen C3495498, MONDO:0008647, OMIM 192600.

Allele frequency attached by ClinVar (database versions not stated): gnomAD exomes 0.00001 and 0.00005; TOPMed 0.00001.

Submissions (2):

GeneDx
Classification: Uncertain significance. Last evaluated: 2023-05-08. Review status: criteria provided, single submitter. Criteria: GeneDx Variant Classification Process June 2021. Collection method: clinical testing. Allele origin: germline. Affected: yes.
Comment: Has not been previously published as pathogenic or benign to our knowledge; Not observed at significant frequency in large population cohorts (gnomAD); Canonical splice site variant in a gene or region of a gene for which loss of function is not a well-established mechanism of disease

3billion
Classification: Uncertain significance for Hypertrophic cardiomyopathy 1. Last evaluated: 2021-10-25. Review status: criteria provided, single submitter. Criteria: ACMG Guidelines, 2015. Collection method: clinical testing. Allele origin: maternal. Affected: yes. Observed: 1 heterozygote.
Comment: The variant is observed at an extremely low frequency in the gnomAD v2.1.1 dataset (total allele frequency: 0.000008, PM2). This variant is classified as uncertain significance according to the recommendation of ACMG/AMP guideline.